The following is an entry in ClinVar:

NM_000186.4(CFH):c.3493C>T (p.His1165Tyr)

Gene: CFH (complement factor H; plus strand). Cytogenetic location: 1q31.3.
Variant type: single nucleotide variant.
Coding change: c.3493C>T on transcript NM_000186.4 (MANE Select); coding-DNA position 3493, C replaced by T.
Protein change: p.His1165Tyr; replaces histidine 1165 with tyrosine.
Molecular consequence: missense variant.
Genome position (GRCh38, 1-based): chr1:196,745,999, C>T. VCF-style: chr1-196745999-C-T. GRCh37 (hg19) VCF-style: chr1-196715129-C-T.
Other names: short protein forms H1165Y.
Identifiers: ClinVar variation 1712373 (VCV001712373.8), dbSNP rs777206700, ClinGen allele CA1305959.

ClinVar aggregate classification (germline): Uncertain significance. Review status: criteria provided, multiple submitters, no conflicts (2 of 4 stars). 9 submissions from 6 submitters: Uncertain significance (9). Last evaluated 2025-10-02.

Conditions:
Basal laminar drusen. Also called: DRUSEN OF BRUCH MEMBRANE; DRUSEN, CUTICULAR; DRUSEN, EARLY ADULT-ONSET, GROUPED. Identifiers: Orphanet 75376, MedGen C0730295, MONDO:0007472, OMIM 126700.
Atypical hemolytic-uremic syndrome. Identifiers: Orphanet 2134, MedGen C2931788, MONDO:0016244.
Factor H deficiency (CFHD). Also called: CFH DEFICIENCY; COMPLEMENT FACTOR H DEFICIENCY. Identifiers: Orphanet 200421, MedGen C0398777, MONDO:0012350, OMIM 609814.
Hemolytic uremic syndrome, atypical, susceptibility to, 1. Also called: AHUS, SUSCEPTIBILITY TO, 1. Identifiers: Orphanet 2134, Orphanet 90038, MedGen C2749604, MONDO:0009335, OMIM 235400. Disease mechanism: Other.
Kidney disorder. Also called: renal disease; Nephropathy; renal disorder; Kidney disease; Kidney Diseases. Identifiers: MedGen C0022658, MONDO:0005240, HP:0000112.
Age related macular degeneration 4. Identifiers: MedGen C1853147, MONDO:0012540, OMIM 610698.
Retinal dystrophy. Also called: Inherited retinal dystrophy. Identifiers: Orphanet 71862, MedGen C0854723, MeSH D058499, MONDO:0019118, HP:0000556.

Allele frequency attached by ClinVar (database versions not stated): ExAC 0.00002; TOPMed 0.00002.
gnomAD v4.1: 23 of 1,614,064 alleles (0.0014%); highest among the groups gnomAD compares: Admixed American, 0.0033%; no homozygotes.

Submissions (9):

Genomenon, Inc
Classification: Uncertain significance for Atypical hemolytic-uremic syndrome. Last evaluated: 2025-10-02. Review status: criteria provided, single submitter. Criteria: Genomenon Sequence Variant Interpretation Standards - Updated. Collection method: curation. Allele origin: germline. Affected: yes.
Comment: CFH p.His1165Tyr (c.3493C>T) is a missense variant that changes the amino acid at residue 1165 from Histidine to Tyrosine. This variant has been observed in at least one proband affected with atypical hemolytic-uremic syndrome (PMID:26613026;32543063). Functional studies have been reported (PMID:34189567). It is absent or not present at a significant frequency in gnomAD. In silico models agree that this variant is not damaging. In conclusion, we classify CFH p.His1165Tyr (c.3493C>T) as a variant of uncertain significance.

Labcorp Genetics (formerly Invitae), Labcorp
Classification: Uncertain significance. Last evaluated: 2025-08-27. Review status: criteria provided, single submitter. Criteria: Invitae Variant Classification Sherloc (09022015). Collection method: clinical testing. Allele origin: germline.
Comment: This sequence change replaces histidine, which is basic and polar, with tyrosine, which is neutral and polar, at codon 1165 of the CFH protein (p.His1165Tyr). This variant is present in population databases (rs777206700, gnomAD 0.003%). This missense change has been observed in individual(s) with atypical hemolytic uremic syndrome (PMID: 26613026). ClinVar contains an entry for this variant (Variation ID: 1712373). An algorithm developed to predict the effect of missense changes on protein structure and function (PolyPhen-2) suggests that this variant is likely to be tolerated. Experimental studies have shown that this missense change affects CFH function (PMID: 34189567). In summary, the available evidence is currently insufficient to determine the role of this variant in disease. Therefore, it has been classified as a Variant of Uncertain Significance.

Genome-Nilou Lab
Classification: Uncertain significance for Hemolytic uremic syndrome, atypical, susceptibility to, 1. Last evaluated: 2023-04-11. Review status: criteria provided, single submitter. Criteria: ACMG Guidelines, 2015. Collection method: clinical testing. Allele origin: germline. Affected: no.

Genome-Nilou Lab
Classification: Uncertain significance for Age related macular degeneration 4. Last evaluated: 2023-04-11. Review status: criteria provided, single submitter. Criteria: ACMG Guidelines, 2015. Collection method: clinical testing. Allele origin: germline. Affected: no.

Genome-Nilou Lab
Classification: Uncertain significance for Basal laminar drusen. Last evaluated: 2023-04-11. Review status: criteria provided, single submitter. Criteria: ACMG Guidelines, 2015. Collection method: clinical testing. Allele origin: germline. Affected: no.

Genome-Nilou Lab
Classification: Uncertain significance for Factor H deficiency. Last evaluated: 2023-04-11. Review status: criteria provided, single submitter. Criteria: ACMG Guidelines, 2015. Collection method: clinical testing. Allele origin: germline. Affected: no.

Laboratorio de Genetica e Diagnostico Molecular, Hospital Israelita Albert Einstein
Classification: Uncertain significance for Basal laminar drusen. Last evaluated: 2022-07-26. Review status: criteria provided, single submitter. Criteria: ACMG Guidelines, 2015. Collection method: clinical testing. Allele origin: germline. Affected: yes.
Comment: ACMG classification criteria: PS4 supporting, PM2 moderated, BP4 supporting

Institute of Human Genetics, Univ. Regensburg, Univ. Regensburg
Classification: Uncertain significance for Retinal dystrophy. Last evaluated: 2022-01-01. Review status: criteria provided, single submitter. Criteria: ACMG Guidelines, 2015. Collection method: clinical testing. Allele origin: germline. Affected: yes.

Genome Diagnostics Laboratory, The Hospital for Sick Children
Classification: Uncertain significance for Kidney disorder. Last evaluated: 2018-08-01. Review status: criteria provided, single submitter. Criteria: ACMG Guidelines, 2015. Collection method: clinical testing. Allele origin: germline.

Literature cited by the submitters: PubMed 26613026 (cited by 3 submitters); PubMed 32543063 (cited by Genomenon, Inc); PubMed 34189567 (cited by Genomenon, Inc and Labcorp Genetics (formerly Invitae), Labcorp); PubMed 3418956 (cited by Institute of Human Genetics, Univ. Regensburg, Univ. Regensburg).